The following is an entry in ClinVar:

NM_001003800.2(BICD2):c.1333G>A (p.Glu445Lys)

Gene: BICD2 (BICD cargo adaptor 2; minus strand). Cytogenetic location: 9q22.31.
Variant type: single nucleotide variant.
Coding change: c.1333G>A on transcript NM_001003800.2 (MANE Select); coding-DNA position 1333, G replaced by A.
Protein change: p.Glu445Lys; replaces glutamic acid 445 with lysine.
Molecular consequence: missense variant.
Genome position (GRCh38, 1-based): chr9:92,719,312, C>T on the plus strand (G>A on the coding strand, the complement: BICD2 is on the minus strand). VCF-style: chr9-92719312-C-T. GRCh37 (hg19) VCF-style: chr9-95481594-C-T.
Other names: c.1333G>A, p.Glu445Lys (NM_015250.4); short protein forms E445K.
Identifiers: ClinVar variation 380687 (VCV000380687.2), dbSNP rs1057520883, ClinGen allele CA16605726.

ClinVar aggregate classification (germline): Uncertain significance (1 of 4 stars; one submission).

Submission:

GeneDx
Classification: Uncertain significance. Last evaluated: 2015-10-11. Review status: criteria provided, single submitter. Criteria: GeneDx Variant Classification (06012015). Collection method: clinical testing. Allele origin: germline. Affected: yes.
Comment: The E445K variant in the BICD2 gene has not been published as a pathogenic variant, nor as a benign variant, to our knowledge. The E445K variant was not observed in approximately 6,500 individuals of European and African American ancestry in the NHLBI Exome Sequencing Project, indicating it is not a common benign variant in these populations. The E445K variant is a non-conservative amino acid substitution, which occurs at a position that is conserved across species. However, in silico analysis is inconsistent in its predictions as to whether or not the variant is damaging to the protein structure/function. We interpret E445K as a variant of uncertain significance.